The following is an entry in ClinVar:

NM_006757.4(TNNT3):c.350G>A (p.Arg117His)

Gene: TNNT3 (troponin T3, fast skeletal type; plus strand). Cytogenetic location: 11p15.5.
Variant type: single nucleotide variant.
Coding change: c.350G>A on transcript NM_006757.4 (MANE Select); coding-DNA position 350, G replaced by A.
Protein change: p.Arg117His; replaces arginine 117 with histidine.
Molecular consequence: missense variant.
Genome position (GRCh38, 1-based): chr11:1,933,992, G>A. VCF-style: chr11-1933992-G-A. GRCh37 (hg19) VCF-style: chr11-1955222-G-A.
Other names: c.326G>A, p.Arg109His (NM_001042780.3, NM_001042782.3, NM_001297646.2 and 2 more transcripts); c.344G>A, p.Arg115His (NM_001042781.3, NM_001367842.1, NM_001367843.1); c.359G>A, p.Arg120His (NM_001363561.2, NM_001367847.1); c.383G>A, p.Arg128His (NM_001367846.1); c.347G>A, p.Arg116His (NM_001367848.1); c.338G>A, p.Arg113His (NM_001367849.1); c.293G>A, p.Arg98His (NM_001367850.1); c.146G>A, p.Arg49His (NM_001367851.1, NM_001367852.1); short protein forms R109H, R113H, R115H, R116H, R120H, R128H, R49H, R98H.
Identifiers: ClinVar variation 623755 (VCV000623755.45), dbSNP rs1049172873, ClinGen allele CA216209720.

ClinVar aggregate classification (germline): Uncertain significance. Review status: criteria provided, multiple submitters, no conflicts (2 of 4 stars). 2 submissions from 2 submitters: Uncertain significance (2). Last evaluated 2024-09-30.

Allele frequency attached by ClinVar (database versions not stated): gnomAD 0.00001; gnomAD exomes 0.00001.
gnomAD v4.1: 31 of 1,612,398 alleles (0.0019%); highest among the groups gnomAD compares: Non-Finnish European, 0.0025%; no homozygotes.

Submissions (2):

Labcorp Genetics (formerly Invitae), Labcorp
Classification: Uncertain significance. Last evaluated: 2024-09-30. Review status: criteria provided, single submitter. Criteria: Invitae Variant Classification Sherloc (09022015). Collection method: clinical testing. Allele origin: germline.
Comment: This sequence change replaces arginine, which is basic and polar, with histidine, which is basic and polar, at codon 117 of the TNNT3 protein (p.Arg117His). The frequency data for this variant in the population databases is considered unreliable, as metrics indicate poor data quality at this position in the gnomAD database. This variant has not been reported in the literature in individuals affected with TNNT3-related conditions. ClinVar contains an entry for this variant (Variation ID: 623755). An algorithm developed to predict the effect of missense changes on protein structure and function (PolyPhen-2) suggests that this variant is likely to be disruptive. In summary, the available evidence is currently insufficient to determine the role of this variant in disease. Therefore, it has been classified as a Variant of Uncertain Significance.

CeGaT Center for Human Genetics Tuebingen
Classification: Uncertain significance. Last evaluated: 2018-06-01. Review status: criteria provided, single submitter. Criteria: CeGaT Center For Human Genetics Tuebingen Variant Classification Criteria Version 2. Collection method: clinical testing. Allele origin: germline. Affected: yes. Observed: 1 variant allele.